The following is an entry in ClinVar:

NM_001355436.2(SPTB):c.5938-1G>A

Gene: SPTB (spectrin beta, erythrocytic; minus strand). Cytogenetic location: 14q23.3.
Variant type: single nucleotide variant.
Coding change: c.5938-1G>A on transcript NM_001355436.2 (MANE Select); the canonical splice acceptor site of the intron before coding-DNA position 5938, G replaced by A.
Molecular consequence: splice acceptor variant.
Genome position (GRCh38, 1-based): chr14:64,769,119, C>T on the plus strand (G>A on the coding strand, the complement: SPTB is on the minus strand). VCF-style: chr14-64769119-C-T. GRCh37 (hg19) VCF-style: chr14-65235837-C-T.
Other names: p.?; c.5938-1G>A (NM_001024858.4, NM_001355437.2).
Identifiers: ClinVar variation 2433977 (VCV002433977.4), dbSNP rs2503038789, ClinGen allele CA390039801.

ClinVar aggregate classification (germline): Likely pathogenic. Review status: criteria provided, multiple submitters, no conflicts (2 of 4 stars). 2 submissions from 2 submitters: Likely pathogenic (2). Last evaluated 2025-06-17.

Submissions (2):

Mayo Clinic Laboratories, Mayo Clinic
Classification: Likely pathogenic. Last evaluated: 2025-06-17. Review status: criteria provided, single submitter. Criteria: ACMG Guidelines, 2015. Collection method: clinical testing. Allele origin: germline. Observed: 1 variant allele.
Comment: PM2_supporting, PVS1

Revvity Omics, Revvity
Classification: Likely pathogenic. Last evaluated: 2022-08-16. Review status: criteria provided, single submitter. Criteria: ACMG Guidelines, 2015. Collection method: clinical testing. Allele origin: germline.